The following is an entry in ClinVar:

NM_005609.4(PYGM):c.661-606A>C

Gene: PYGM (glycogen phosphorylase, muscle associated; minus strand). Cytogenetic location: 11q13.1.
Variant type: single nucleotide variant.
Coding change: c.661-606A>C on transcript NM_005609.4 (MANE Select); 606 bases into the intron before coding-DNA position 661, A replaced by C.
Molecular consequence: intron variant.
Genome position (GRCh38, 1-based): chr11:64,756,164, T>G on the plus strand (A>C on the coding strand, the complement: PYGM is on the minus strand). VCF-style: chr11-64756164-T-G. GRCh37 (hg19) VCF-style: chr11-64523636-T-G.
Other names: c.397-606A>C (NM_001164716.1).
Identifiers: ClinVar variation 513486 (VCV000513486.2), dbSNP rs192786771, ClinGen allele CA223902245.

ClinVar aggregate classification (germline): Likely benign. Review status: criteria provided, multiple submitters, no conflicts (2 of 4 stars). 2 submissions from 2 submitters: Likely benign (2). Last evaluated 2024-10-08.

Allele frequency attached by ClinVar (database versions not stated): 1000 Genomes Project 30x 0.00219; 1000 Genomes Project 0.00240; gnomAD 0.00274 and 0.00300; TOPMed 0.00302.

Submissions (2):

Blueprint Genetics
Classification: Likely benign. Last evaluated: 2024-10-08. Review status: criteria provided, single submitter. Criteria: ACMG Guidelines, 2015. Collection method: clinical testing. Allele origin: germline.

GeneDx
Classification: Likely benign. Last evaluated: 2017-11-30. Review status: criteria provided, single submitter. Criteria: GeneDx Variant Classification (06012015). Collection method: clinical testing. Allele origin: germline. Affected: yes.
Comment: This variant is considered likely benign or benign based on one or more of the following criteria: it is a conservative change, it occurs at a poorly conserved position in the protein, it is predicted to be benign by multiple in silico algorithms, and/or has population frequency not consistent with disease.